The following is an entry in ClinVar:

NM_012330.4(KAT6B):c.376C>A (p.Leu126Met)

Gene: KAT6B (lysine acetyltransferase 6B; plus strand). Cytogenetic location: 10q22.2.
Variant type: single nucleotide variant.
Coding change: c.376C>A on transcript NM_012330.4 (MANE Select); coding-DNA position 376, C replaced by A.
Protein change: p.Leu126Met; replaces leucine 126 with methionine.
Molecular consequence: missense variant. On other transcripts: 5 prime UTR variant (2).
Genome position (GRCh38, 1-based): chr10:74,843,233, C>A. VCF-style: chr10-74843233-C-A. GRCh37 (hg19) VCF-style: chr10-76602991-C-A.
Other names: c.376C>A, p.Leu126Met (NM_001256468.2, NM_001256469.2, NM_001370132.1 and 10 more transcripts); c.-163C>A (NM_001370134.1, NM_001370135.1); short protein forms L126M.
Identifiers: ClinVar variation 2001467 (VCV002001467.4), dbSNP rs1841867953, ClinGen allele CA377399898.

ClinVar aggregate classification (germline): Uncertain significance (1 of 4 stars; one submission).

Conditions:
Genitopatellar syndrome (GTPTS). Also called: ABSENT PATELLAE, SCROTAL HYPOPLASIA, RENAL ANOMALIES, FACIAL DYSMORPHISM, AND MENTAL RETARDATION; Genitopatellar syndrome (GPS). Identifiers: Orphanet 85201, MedGen C1853566, MONDO:0011640, OMIM 606170.

Submission:

Labcorp Genetics (formerly Invitae), Labcorp
Classification: Uncertain significance for Genitopatellar syndrome. Last evaluated: 2024-04-22. Review status: criteria provided, single submitter. Criteria: Invitae Variant Classification Sherloc (09022015). Collection method: clinical testing. Allele origin: germline.
Comment: This sequence change replaces leucine, which is neutral and non-polar, with methionine, which is neutral and non-polar, at codon 126 of the KAT6B protein (p.Leu126Met). This variant is not present in population databases (gnomAD no frequency). This variant has not been reported in the literature in individuals affected with KAT6B-related conditions. ClinVar contains an entry for this variant (Variation ID: 2001467). Advanced modeling of protein sequence and biophysical properties (such as structural, functional, and spatial information, amino acid conservation, physicochemical variation, residue mobility, and thermodynamic stability) performed at Invitae indicates that this missense variant is not expected to disrupt KAT6B protein function with a negative predictive value of 80%. In summary, the available evidence is currently insufficient to determine the role of this variant in disease. Therefore, it has been classified as a Variant of Uncertain Significance.